The following is an entry in ClinVar:

ClinVar aggregate classification (germline): Uncertain significance (1 of 4 stars; one submission).

Submission:

Labcorp Genetics (formerly Invitae), Labcorp
Classification: Uncertain significance. Last evaluated: 2023-10-24. Review status: criteria provided, single submitter. Criteria: Invitae Variant Classification Sherloc (09022015). Collection method: clinical testing. Allele origin: germline.
Comment: This sequence change replaces isoleucine, which is neutral and non-polar, with arginine, which is basic and polar, at codon 1567 of the SAMD9 protein (p.Ile1567Arg). This variant is not present in population databases (gnomAD no frequency). This variant has not been reported in the literature in individuals affected with SAMD9-related conditions. Advanced modeling of protein sequence and biophysical properties (such as structural, functional, and spatial information, amino acid conservation, physicochemical variation, residue mobility, and thermodynamic stability) has been performed at Invitae for this missense variant, however the output from this modeling did not meet the statistical confidence thresholds required to predict the impact of this variant on SAMD9 protein function. In summary, the available evidence is currently insufficient to determine the role of this variant in disease. Therefore, it has been classified as a Variant of Uncertain Significance.

NM_017654.4(SAMD9):c.4700T>G (p.Ile1567Arg)

Gene: SAMD9 (sterile alpha motif domain containing 9; minus strand). Cytogenetic location: 7q21.2.
Variant type: single nucleotide variant.
Coding change: c.4700T>G on transcript NM_017654.4 (MANE Select); coding-DNA position 4700, T replaced by G.
Protein change: p.Ile1567Arg; replaces isoleucine 1567 with arginine.
Molecular consequence: missense variant.
Genome position (GRCh38, 1-based): chr7:93,101,398, A>C on the plus strand (T>G on the coding strand, the complement: SAMD9 is on the minus strand). VCF-style: chr7-93101398-A-C. GRCh37 (hg19) VCF-style: chr7-92730711-A-C.
Other names: c.4700T>G, p.Ile1567Arg (NM_001193307.2); short protein forms I1567R.
Identifiers: ClinVar variation 2771675 (VCV002771675.3), dbSNP rs2535352571, ClinGen allele CA368176179.